The following is an entry in ClinVar:

ClinVar aggregate classification (germline): Uncertain significance (1 of 4 stars; one submission).

Conditions:
Ataxia-telangiectasia syndrome (AT). Also called: Ataxia telangiectasia (A-T); LOUIS-BAR SYNDROME; Cerebello-oculocutaneous telangiectasia; Immunodeficiency with ataxia telangiectasia; Ataxia-telangiectasia, complementation group D; AT, COMPLEMENTATION GROUP C. Identifiers: Orphanet 100, MedGen C0004135, MONDO:0008840, OMIM 208900.

Submission:

Labcorp Genetics (formerly Invitae), Labcorp
Classification: Uncertain significance for Ataxia-telangiectasia syndrome. Last evaluated: 2022-10-12. Review status: criteria provided, single submitter. Criteria: Invitae Variant Classification Sherloc (09022015). Collection method: clinical testing. Allele origin: germline.
Comment: This sequence change replaces phenylalanine, which is neutral and non-polar, with leucine, which is neutral and non-polar, at codon 2393 of the ATM protein (p.Phe2393Leu). This variant is not present in population databases (gnomAD no frequency). This variant has not been reported in the literature in individuals affected with ATM-related conditions. Algorithms developed to predict the effect of missense changes on protein structure and function are either unavailable or do not agree on the potential impact of this missense change (SIFT: "Deleterious"; PolyPhen-2: "Probably Damaging"; Align-GVGD: "Class C15"). In summary, the available evidence is currently insufficient to determine the role of this variant in disease. Therefore, it has been classified as a Variant of Uncertain Significance.

NM_000051.4(ATM):c.7177T>C (p.Phe2393Leu)

Genes: ATM (ATM serine/threonine kinase; plus strand), C11orf65 (chromosome 11 open reading frame 65; minus strand). Cytogenetic location: 11q22.3.
Variant type: single nucleotide variant.
Coding change: c.7177T>C on transcript NM_000051.4 (MANE Select); coding-DNA position 7177, T replaced by C.
Protein change: p.Phe2393Leu; replaces phenylalanine 2393 with leucine.
Molecular consequence: missense variant. On other transcripts: intron variant (2).
Genome position (GRCh38, 1-based): chr11:108,329,108, T>C. VCF-style: chr11-108329108-T-C. GRCh37 (hg19) VCF-style: chr11-108199835-T-C.
Other names: c.7177T>C, p.Phe2393Leu (NM_001351834.2); c.641-20037A>G (NM_001330368.2); c.*38+6112A>G (NM_001351110.2); short protein forms F2393L.
Identifiers: ClinVar variation 1721470 (VCV001721470.6), dbSNP rs2136415569, ClinGen allele CA382559564.